The following is an entry in ClinVar:

NM_001375.3(DNASE2):c.503C>G (p.Ser168Trp)

Gene: DNASE2 (deoxyribonuclease 2, lysosomal; minus strand). Cytogenetic location: 19p13.13.
Variant type: single nucleotide variant.
Coding change: c.503C>G on transcript NM_001375.3 (MANE Select); coding-DNA position 503, C replaced by G.
Protein change: p.Ser168Trp; replaces serine 168 with tryptophan.
Molecular consequence: missense variant.
Genome position (GRCh38, 1-based): chr19:12,878,678, G>C on the plus strand (C>G on the coding strand, the complement: DNASE2 is on the minus strand). VCF-style: chr19-12878678-G-C. GRCh37 (hg19) VCF-style: chr19-12989492-G-C.
Other names: short protein forms S168W.
Identifiers: ClinVar variation 1494006 (VCV001494006.8), dbSNP rs754201510, ClinGen allele CA404299416.

ClinVar aggregate classification (germline): Uncertain significance (1 of 4 stars; one submission).

Submission:

Labcorp Genetics (formerly Invitae), Labcorp
Classification: Uncertain significance. Last evaluated: 2021-04-10. Review status: criteria provided, single submitter. Criteria: Invitae Variant Classification Sherloc (09022015). Collection method: clinical testing. Allele origin: germline.
Comment: In summary, the available evidence is currently insufficient to determine the role of this variant in disease. Therefore, it has been classified as a Variant of Uncertain Significance. Algorithms developed to predict the effect of missense changes on protein structure and function output the following: SIFT: "Deleterious"; PolyPhen-2: "Benign"; Align-GVGD: "Class C0". The tryptophan amino acid residue is found in multiple mammalian species, suggesting that this missense change does not adversely affect protein function. These predictions have not been confirmed by published functional studies and their clinical significance is uncertain. This variant has not been reported in the literature in individuals with DNASE2-related conditions. This variant is not present in population databases (ExAC no frequency). This sequence change replaces serine with tryptophan at codon 168 of the DNASE2 protein (p.Ser168Trp). The serine residue is weakly conserved and there is a large physicochemical difference between serine and tryptophan.